The following is an entry in ClinVar:

NM_052813.5(CARD9):c.847C>G (p.Leu283Val)

Gene: CARD9 (caspase recruitment domain family member 9; minus strand). Cytogenetic location: 9q34.3.
Variant type: single nucleotide variant.
Coding change: c.847C>G on transcript NM_052813.5 (MANE Select); coding-DNA position 847, C replaced by G.
Protein change: p.Leu283Val; replaces leucine 283 with valine.
Molecular consequence: missense variant.
Genome position (GRCh38, 1-based): chr9:136,370,398, G>C on the plus strand (C>G on the coding strand, the complement: CARD9 is on the minus strand). VCF-style: chr9-136370398-G-C. GRCh37 (hg19) VCF-style: chr9-139264850-G-C.
Other names: c.847C>G, p.Leu283Val (NM_052814.4); short protein forms L283V.
Identifiers: ClinVar variation 938135 (VCV000938135.10), dbSNP rs1833234296, ClinGen allele CA375544170.
Genomic context (GRCh38, chr9:136,370,398, plus strand): 5'-AGAAGATGGTGTTGGCCTGCTCCTGGTGGTCCCGCAGCGCCTGCCGCCAGTCCTCCTCCA[G>C]TACCTGGATGTAGGGGCTGCTCCTGTCCAGCTTCCCCTCCTGAAGGGGGCAAAAGGCAAT-3'
Protein context (NP_434700.2, residues 273-293): LDRSSPYIQV[Leu283Val]EEDWRQALRD

ClinVar aggregate classification (germline): Uncertain significance (1 of 4 stars; one submission).

Conditions:
Predisposition to invasive fungal disease due to CARD9 deficiency (IMD103). Also called: Candidiasis, familial, 2, autosomal recessive; CARD9 IMMUNODEFICIENCY; IMMUNODEFICIENCY 103, SUSCEPTIBILITY TO FUNGAL INFECTIONS. Identifiers: Orphanet 457088, MedGen C1859353, MONDO:0008905, OMIM 212050.

Allele frequency attached by ClinVar (database versions not stated): gnomAD exomes below 0.00001.
gnomAD v4.1: 2 of 1,611,274 alleles (0.00012%); highest among the groups gnomAD compares: Non-Finnish European, 0.00017%; no homozygotes.

Submission:

Labcorp Genetics (formerly Invitae), Labcorp
Classification: Uncertain significance for Predisposition to invasive fungal disease due to CARD9 deficiency. Last evaluated: 2025-09-23. Review status: criteria provided, single submitter. Criteria: Invitae Variant Classification Sherloc (09022015). Collection method: clinical testing. Allele origin: germline.
Comment: This sequence change replaces leucine, which is neutral and non-polar, with valine, which is neutral and non-polar, at codon 283 of the CARD9 protein (p.Leu283Val). This variant is not present in population databases (gnomAD no frequency). This variant has not been reported in the literature in individuals affected with CARD9-related conditions. ClinVar contains an entry for this variant (Variation ID: 938135). Invitae Evidence Modeling of protein sequence and biophysical properties (such as structural, functional, and spatial information, amino acid conservation, physicochemical variation, residue mobility, and thermodynamic stability) indicates that this missense variant is expected to disrupt CARD9 protein function with a positive predictive value of 80%. In summary, the available evidence is currently insufficient to determine the role of this variant in disease. Therefore, it has been classified as a Variant of Uncertain Significance.